The following is an entry in ClinVar:

NM_022095.4(ZNF335):c.1352G>A (p.Arg451His)

Gene: ZNF335 (zinc finger protein 335; minus strand). Cytogenetic location: 20q13.12.
Variant type: single nucleotide variant.
Coding change: c.1352G>A on transcript NM_022095.4 (MANE Select); coding-DNA position 1352, G replaced by A.
Protein change: p.Arg451His; replaces arginine 451 with histidine.
Molecular consequence: missense variant.
Genome position (GRCh38, 1-based): chr20:45,963,741, C>T on the plus strand (G>A on the coding strand, the complement: ZNF335 is on the minus strand). VCF-style: chr20-45963741-C-T. GRCh37 (hg19) VCF-style: chr20-44592380-C-T.
Other names: c.1352G>A (NM_022095.3); short protein forms R451H.
Identifiers: ClinVar variation 1507277 (VCV001507277.6), dbSNP rs768353545, ClinGen allele CA9885770.
Genomic context (GRCh38, chr20:45,963,741, plus strand): 5'-GGTGGGGTTGGTGGCTTAACCACATGCATGCCCCACCCTCACCTCTGCTCCACATACTTG[C>T]GGTATTTCTTGCCTAGGAAGCGCCTGGAAGGTCGACCTCGGCGCCGGGGCAGAGTGTCAT-3'
Protein context (NP_071378.1, residues 441-461): PSRRFLGKKY[Arg451His]KYYYKSPKPL

ClinVar aggregate classification (germline): Uncertain significance. Review status: criteria provided, multiple submitters, no conflicts (2 of 4 stars). 2 submissions from 2 submitters: Uncertain significance (2). Last evaluated 2024-11-21.

Conditions:
Inborn genetic diseases. Identifiers: MedGen C0950123, MeSH D030342.

Allele frequency attached by ClinVar (database versions not stated): ExAC 0.00002; gnomAD exomes 0.00002; gnomAD 0.00003 and 0.00004; TOPMed 0.00003.
gnomAD v4.1: 65 of 1,613,964 alleles (0.004%); highest among the groups gnomAD compares: African/African-American, 0.0067%; no homozygotes.

Submissions (2):

Ambry Genetics
Classification: Uncertain significance for Inborn genetic diseases. Last evaluated: 2024-11-21. Review status: criteria provided, single submitter. Criteria: Ambry Variant Classification Scheme 2023. Collection method: clinical testing. Allele origin: germline.

Labcorp Genetics (formerly Invitae), Labcorp
Classification: Uncertain significance. Last evaluated: 2021-12-03. Review status: criteria provided, single submitter. Criteria: Invitae Variant Classification Sherloc (09022015). Collection method: clinical testing. Allele origin: germline.
Comment: In summary, the available evidence is currently insufficient to determine the role of this variant in disease. Therefore, it has been classified as a Variant of Uncertain Significance. Algorithms developed to predict the effect of missense changes on protein structure and function are either unavailable or do not agree on the potential impact of this missense change (SIFT: "Deleterious"; PolyPhen-2: "Probably Damaging"; Align-GVGD: "Class C0"). This variant has not been reported in the literature in individuals affected with ZNF335-related conditions. This variant is present in population databases (rs768353545, gnomAD 0.006%). This sequence change replaces arginine, which is basic and polar, with histidine, which is basic and polar, at codon 451 of the ZNF335 protein (p.Arg451His).